The following is an entry in ClinVar:

ClinVar aggregate classification (germline): Pathogenic (1 of 4 stars; one submission).

Conditions:
Hereditary spastic paraplegia 4. Also called: Familial spastic paraplegia autosomal dominant 2; Spastic paraplegia 4, autosomal dominant; Spastic Paraplegia 4. Identifiers: Orphanet 100985, MedGen C1866855, MONDO:0008438, OMIM 182601.

Submission:

Labcorp Genetics (formerly Invitae), Labcorp
Classification: Pathogenic for Hereditary spastic paraplegia 4. Last evaluated: 2018-04-10. Review status: criteria provided, single submitter. Criteria: Invitae Variant Classification Sherloc (09022015). Collection method: clinical testing. Allele origin: germline.
Comment: This sequence change creates a premature translational stop signal (p.Asn487Ilefs*44) in the SPAST gene. It is expected to result in an absent or disrupted protein product. This variant is not present in population databases (ExAC no frequency). This variant has not been reported in the literature in individuals with SPAST-related disease. Loss-of-function variants in SPAST are known to be pathogenic (PMID: 20932283). For these reasons, this variant has been classified as Pathogenic.

Literature cited by the submitters: PubMed 20932283.

NM_014946.4(SPAST):c.1458_1459dup (p.Asn487fs)

Gene: SPAST (spastin; plus strand). Cytogenetic location: 2p22.3.
Variant type: Duplication.
Coding change: c.1458_1459dup on transcript NM_014946.4 (MANE Select); coding-DNA positions 1458 to 1459, 2 bases duplicated (TA; older notation c.1458_1459dupTA).
Protein change: p.Asn487fs; shifts the reading frame from asparagine 487.
Molecular consequence: frameshift variant.
Genome position (GRCh38, 1-based): chr2:32,137,153-32,137,154, TA duplicated. VCF-style (leftmost placement, unchanged base first): chr2-32137152-C-CTA. GRCh37 (hg19) VCF-style: chr2-32362221-C-CTA.
Other names: c.1458_1459dupTA (NM_014946.3); c.1455_1456dup, p.Asn486fs (NM_001363823.2); c.1359_1360dup, p.Asn454fs (NM_001363875.2); c.1362_1363dup, p.Asn455fs (NM_001377959.1, NM_199436.2); short protein forms N455fs, N487fs, N454fs, N486fs.
Identifiers: ClinVar variation 582977 (VCV000582977.7), dbSNP rs1558337136, ClinGen allele CA891843423.
Genomic context (GRCh38, chr2:32,137,152, plus strand): 5'-AGATTTTTTGCTTGTAGGTACAGTCTGCTGGAGATGACAGAGTACTTGTAATGGGTGCAA[C>CTA]TAATAGGCCACAAGAGCTTGATGAGGCTGTTCTCAGGTAGGGAGATTTATATGGAAATAC-3'